The following is an entry in ClinVar:

ClinVar aggregate classification (germline): Uncertain significance. Review status: criteria provided, single submitter (1 of 4 stars). 2 submissions from 2 submitters: Uncertain significance (1). 1 of the submissions does not count toward it. Last evaluated 2025-01-09.

Conditions:
HOXA11-related disorder. Also called: HOXA11-related condition.

gnomAD v4.1: 1 of 1,614,052 alleles (0.000062%); highest among the groups gnomAD compares: Non-Finnish European, 0.000085%; no homozygotes.

Submissions (2):

Ambry Genetics
Classification: Uncertain significance. Last evaluated: 2025-01-09. Review status: criteria provided, single submitter. Criteria: Ambry Variant Classification Scheme 2023. Collection method: clinical testing. Allele origin: germline.

PreventionGenetics, part of Exact Sciences
Classification: Uncertain significance for HOXA11-related condition. Last evaluated: 2024-09-19. Review status: no assertion criteria provided. Collection method: clinical testing. Allele origin: germline. Not counted in ClinVar's aggregate classification.
Comment: The HOXA11 c.29C>T variant is predicted to result in the amino acid substitution p.Ser10Phe. To our knowledge, this variant has not been reported in the literature or in a large population database, indicating this variant is rare. At this time, the clinical significance of this variant is uncertain due to the absence of conclusive functional and genetic evidence.

NM_005523.6(HOXA11):c.29C>T (p.Ser10Phe)

Genes: HOXA11 (homeobox A11; minus strand), LOC107126281 (NUP98-HOXA11 recombination region; plus strand). Cytogenetic location: 7p15.2.
Variant type: single nucleotide variant.
Coding change: c.29C>T on transcript NM_005523.6 (MANE Select); coding-DNA position 29, C replaced by T.
Protein change: p.Ser10Phe; replaces serine 10 with phenylalanine.
Molecular consequence: missense variant.
Genome position (GRCh38, 1-based): chr7:27,185,116, G>A on the plus strand (C>T on the coding strand, the complement: HOXA11 is on the minus strand). VCF-style: chr7-27185116-G-A. GRCh37 (hg19) VCF-style: chr7-27224735-G-A.
Other names: short protein forms S10F.
Identifiers: ClinVar variation 3356808 (VCV003356808.2).